The following is an entry in ClinVar:

ClinVar aggregate classification (germline): Uncertain significance. Review status: criteria provided, multiple submitters, no conflicts (2 of 4 stars). 2 submissions from 2 submitters: Uncertain significance (2). Last evaluated 2025-10-20.

Conditions:
Ehlers-Danlos syndrome, type 4 (EDSVASC). Also called: Ehlers-Danlos syndrome vascular type; Ehlers Danlos syndrome, ecchymotic type; Ehlers Danlos syndrome, arterial type; Ehlers Danlos syndrome, Sack-Barabas type; Ehlers-Danlos Syndrome Type IV. Identifiers: Orphanet 286, MedGen C0268338, MONDO:0017314, OMIM 130050.
Familial thoracic aortic aneurysm and aortic dissection (TAAD). Also called: Thoracic aortic aneurysms and dissections. Identifiers: Orphanet 91387, MedGen C4707243, MONDO:0019625.

Submissions (2):

Labcorp Genetics (formerly Invitae), Labcorp
Classification: Uncertain significance for Ehlers-Danlos syndrome, type 4. Last evaluated: 2025-10-20. Review status: criteria provided, single submitter. Criteria: Invitae Variant Classification Sherloc (09022015). Collection method: clinical testing. Allele origin: germline.
Comment: This sequence change replaces proline, which is neutral and non-polar, with arginine, which is basic and polar, at codon 830 of the COL3A1 protein (p.Pro830Arg). This variant is not present in population databases (gnomAD no frequency). This variant has not been reported in the literature in individuals affected with COL3A1-related conditions. ClinVar contains an entry for this variant (Variation ID: 1792028). Invitae Evidence Modeling of protein sequence and biophysical properties (such as structural, functional, and spatial information, amino acid conservation, physicochemical variation, residue mobility, and thermodynamic stability) indicates that this missense variant is not expected to disrupt COL3A1 protein function with a negative predictive value of 95%. In summary, the available evidence is currently insufficient to determine the role of this variant in disease. Therefore, it has been classified as a Variant of Uncertain Significance.

Ambry Genetics
Classification: Uncertain significance for Familial thoracic aortic aneurysm and aortic dissection. Last evaluated: 2018-09-21. Review status: criteria provided, single submitter. Criteria: Ambry Variant Classification Scheme 2023. Collection method: clinical testing. Allele origin: germline.
Comment: The p.P830R variant (also known as c.2489C>G), located in coding exon 36 of the COL3A1 gene, results from a C to G substitution at nucleotide position 2489. The proline at codon 830 is replaced by arginine, an amino acid with dissimilar properties. This amino acid position is not well conserved in available vertebrate species. In addition, the in silico prediction for this alteration is inconclusive. Since supporting evidence is limited at this time, the clinical significance of this alteration remains unclear.

NM_000090.4(COL3A1):c.2489C>G (p.Pro830Arg)

Gene: COL3A1 (collagen type III alpha 1 chain; plus strand). Cytogenetic location: 2q32.2.
Variant type: single nucleotide variant.
Coding change: c.2489C>G on transcript NM_000090.4 (MANE Select); coding-DNA position 2489, C replaced by G.
Protein change: p.Pro830Arg; replaces proline 830 with arginine.
Molecular consequence: missense variant.
Genome position (GRCh38, 1-based): chr2:189,002,998, C>G. VCF-style: chr2-189002998-C-G. GRCh37 (hg19) VCF-style: chr2-189867724-C-G.
Other names: short protein forms P830R.
Identifiers: ClinVar variation 1792028 (VCV001792028.3), dbSNP rs886038849, ClinGen allele CA349842786.